The following is an entry in ClinVar:

NM_001002295.2(GATA3):c.52G>A (p.Val18Met)

Gene: GATA3 (GATA binding protein 3; plus strand). Cytogenetic location: 10p14.
Variant type: single nucleotide variant.
Coding change: c.52G>A on transcript NM_001002295.2 (MANE Select); coding-DNA position 52, G replaced by A.
Protein change: p.Val18Met; replaces valine 18 with methionine.
Molecular consequence: missense variant.
Genome position (GRCh38, 1-based): chr10:8,055,707, G>A. VCF-style: chr10-8055707-G-A. GRCh37 (hg19) VCF-style: chr10-8097670-G-A.
Other names: c.52G>A, p.Val18Met (NM_002051.3); short protein forms V18M.
Identifiers: ClinVar variation 2664934 (VCV002664934.1), dbSNP rs1415426826, ClinGen allele CA375965008.

ClinVar aggregate classification (germline): Uncertain significance (1 of 4 stars; one submission).

Conditions:
Hypoparathyroidism, deafness, renal disease syndrome (HDRS). Also called: HYPOPARATHYROIDISM, SENSORINEURAL DEAFNESS, AND RENAL DYSPLASIA SYNDROME. Identifiers: Orphanet 2237, MedGen C1840333, MONDO:0007797, OMIM 146255.

Allele frequency attached by ClinVar (database versions not stated): gnomAD exomes below 0.00001.
gnomAD v4.1: 2 of 1,564,190 alleles (0.00013%); highest among the groups gnomAD compares: South Asian, 0.0024%; no homozygotes.

Submission:

Neuberg Centre For Genomic Medicine, NCGM
Classification: Uncertain significance for Hypoparathyroidism, deafness, renal disease syndrome. Last evaluated: 2023-03-01. Review status: criteria provided, single submitter. Criteria: ACMG Guidelines, 2015. Collection method: clinical testing. Allele origin: germline. Inheritance: Autosomal dominant inheritance. Affected: yes.
Comment: The missense variant c.52G>A (p.Val18Met) in the GATA3 gene has not been reported previously as a pathogenic variant nor as a benign variant, to our knowledge. This variant is novel (not in any individuals) in 1000 Genomes. The amino acid Valine at position 18 is changed to a Methionine changing protein sequence and it might alter its composition and physico-chemical properties. The amino acid change p.Val18Met in GATA3 is predicted as conserved by GERP++ and PhyloP across 100 vertebrates. For these reasons, this variant has been classified as Uncertain Significance